The following is an entry in ClinVar:

NM_003754.3(EIF3F):c.365-3C>T

Gene: EIF3F (eukaryotic translation initiation factor 3 subunit F; plus strand). Cytogenetic location: 11p15.4.
Variant type: single nucleotide variant.
Coding change: c.365-3C>T on transcript NM_003754.3 (MANE Select); 3 bases into the intron before coding-DNA position 365, C replaced by T.
Molecular consequence: intron variant.
Genome position (GRCh38, 1-based): chr11:7,991,778, C>T. VCF-style: chr11-7991778-C-T. GRCh37 (hg19) VCF-style: chr11-8013325-C-T.
Identifiers: ClinVar variation 4618367 (VCV004618367.1).

ClinVar aggregate classification (germline): Uncertain significance (1 of 4 stars; one submission).

Conditions:
Inborn genetic diseases. Identifiers: MedGen C0950123, MeSH D030342.

Submission:

Ambry Genetics
Classification: Uncertain significance for Inborn genetic diseases. Last evaluated: 2025-12-04. Review status: criteria provided, single submitter. Criteria: Ambry Variant Classification Scheme 2023. Collection method: clinical testing. Allele origin: germline.
Comment: The c.365-3C>T intronic alteration consists of a C to T substitution 3 nucleotides before coding exon 2 in the EIF3F gene. Based on data from gnomAD, the T allele has an overall frequency of <0.001% (1/251482) total alleles studied. The highest observed frequency was 0.005% (1/18394) of East Asian alleles. Based on insufficient or conflicting evidence, the clinical significance of this alteration remains unclear.